The following is an entry in ClinVar:

NM_001370595.2(COA8):c.172C>A (p.Pro58Thr)

Gene: COA8 (cytochrome c oxidase assembly factor 8; plus strand). Cytogenetic location: 14q32.33.
Variant type: single nucleotide variant.
Coding change: c.172C>A on transcript NM_001370595.2 (MANE Select); coding-DNA position 172, C replaced by A.
Protein change: p.Pro58Thr; replaces proline 58 with threonine.
Molecular consequence: missense variant. On other transcripts: non-coding transcript variant (2).
Genome position (GRCh38, 1-based): chr14:103,571,671, C>A. VCF-style: chr14-103571671-C-A. GRCh37 (hg19) VCF-style: chr14-104038008-C-A.
Other names: NM_001302652.2:c.172C>A; c.172C>A, p.Pro58Thr (NM_001302653.2, NM_001302654.2); short protein forms P58T.
Identifiers: ClinVar variation 1681862 (VCV001681862.7), dbSNP rs774599759, ClinGen allele CA7365467.

ClinVar aggregate classification (germline): Uncertain significance. Review status: criteria provided, multiple submitters, no conflicts (2 of 4 stars). 2 submissions from 2 submitters: Uncertain significance (2). Last evaluated 2022-07-19.

Conditions:
Mitochondrial complex IV deficiency, nuclear type 17. Also called: Mitochondrial complex 4 deficiency, nuclear type 17. Identifiers: MedGen C5436718, MONDO:0033652, OMIM 619061.

Allele frequency attached by ClinVar (database versions not stated): ExAC 0.00001; gnomAD 0.00001; gnomAD exomes 0.00001; TOPMed 0.00001.
gnomAD v4.1: 4 of 1,614,014 alleles (0.00025%); highest among the groups gnomAD compares: Admixed American, 0.0033%; no homozygotes.

Submissions (2):

Labcorp Genetics (formerly Invitae), Labcorp
Classification: Uncertain significance. Last evaluated: 2022-07-19. Review status: criteria provided, single submitter. Criteria: Invitae Variant Classification Sherloc (09022015). Collection method: clinical testing. Allele origin: germline.
Comment: In summary, the available evidence is currently insufficient to determine the role of this variant in disease. Therefore, it has been classified as a Variant of Uncertain Significance. Algorithms developed to predict the effect of missense changes on protein structure and function are either unavailable or do not agree on the potential impact of this missense change (SIFT: "Deleterious"; PolyPhen-2: "Probably Damaging"; Align-GVGD: "Class C0"). ClinVar contains an entry for this variant (Variation ID: 1681862). This variant has not been reported in the literature in individuals affected with APOPT1-related conditions. This variant is present in population databases (rs774599759, gnomAD 0.003%). This sequence change replaces proline, which is neutral and non-polar, with threonine, which is neutral and polar, at codon 71 of the APOPT1 protein (p.Pro71Thr).

Fulgent Genetics
Classification: Uncertain significance for Mitochondrial complex IV deficiency, nuclear type 17. Last evaluated: 2022-02-07. Review status: criteria provided, single submitter. Criteria: ACMG Guidelines, 2015. Collection method: clinical testing. Allele origin: unknown.